The following is an entry in ClinVar:

NM_000255.4(MMUT):c.2033A>G (p.His678Arg)

Gene: MMUT (methylmalonyl-CoA mutase; minus strand). Cytogenetic location: 6p12.3.
Variant type: single nucleotide variant.
Coding change: c.2033A>G on transcript NM_000255.4 (MANE Select); coding-DNA position 2033, A replaced by G.
Protein change: p.His678Arg; replaces histidine 678 with arginine.
Molecular consequence: missense variant.
Genome position (GRCh38, 1-based): chr6:49,435,547, T>C on the plus strand (A>G on the coding strand, the complement: MMUT is on the minus strand). VCF-style: chr6-49435547-T-C. GRCh37 (hg19) VCF-style: chr6-49403260-T-C.
Other names: short protein forms H678R.
Identifiers: ClinVar variation 2573384 (VCV002573384.1), dbSNP rs147094927, ClinGen allele CA138794539.

ClinVar aggregate classification (germline): Likely pathogenic (1 of 4 stars; one submission).

Conditions:
Methylmalonic acidemia (MMA). Also called: Isolated Methylmalonic Acidemia. Identifiers: MedGen C0268583, MeSH C537358, MONDO:0002012, HP:0002912.

Allele frequency attached by ClinVar (database versions not stated): gnomAD 0.00001; TOPMed 0.00001; ESP Exome Variant Server 0.00008.
gnomAD v4.1: 3 of 1,614,052 alleles (0.00019%); highest among the groups gnomAD compares: African/African-American, 0.0013%; no homozygotes.

Submission:

Women's Health and Genetics/Laboratory Corporation of America, LabCorp
Classification: Likely pathogenic for Methylmalonic acidemia. Last evaluated: 2023-06-27. Review status: criteria provided, single submitter. Criteria: LabCorp Variant Classification Summary - May 2015. Collection method: clinical testing. Allele origin: germline.
Comment: Variant summary: MUT c.2033A>G (p.His678Arg) results in a non-conservative amino acid change located in the Cobalamin (vitamin B12)-binding domain (IPR006158) of the encoded protein sequence. Five of five in-silico tools predict a damaging effect of the variant on protein function. The variant allele was found at a frequency of 1.2e-05 in 251252 control chromosomes in gnomAD. c.2033A>G has been reported in individuals affected with Methylmalonic Acidemia (example: FARAH_1994, unpublished PhD Thesis), and in at least one case, it was at a compound heterozygous state along with another pathogenic variant in MUT (example: Worgan_2006). At least one publication reports experimental evidence evaluating an impact on protein function. The most pronounced variant effect results in <10% of normal enzyme activity in an E. coli expression system (Janata_1997). These data indicate that the variant is likely to be associated with disease. The following publications have been ascertained in the context of this evaluation (PMID: 8990001, 25087612, 16281286, 9285782, NO_PMID). No submitters have cited clinical-significance assessments for this variant to ClinVar after 2014. Based on the evidence outlined above, the variant was classified as likely pathogenic.

Literature cited by the submitters: PubMed 25087612; PubMed 16281286; PubMed 9285782; PubMed 8990001.